The following is an entry in ClinVar:

ClinVar aggregate classification (germline): Likely benign. Review status: criteria provided, multiple submitters, no conflicts (2 of 4 stars). 4 submissions from 4 submitters: Likely benign (4). Last evaluated 2025-12-01.

Conditions:
Cardiomyopathy (CMYO). Also called: Cardiomyopathies. Identifiers: Orphanet 167848, MedGen C0878544, MONDO:0004994, HP:0001638. Inheritance: Various modes of inheritance.
Hypertrophic cardiomyopathy 1 (CMH1). Also called: Familial hypertrophic cardiomyopathy 1; MYH7-Related Familial Hypertrophic Cardiomyopathy. Identifiers: MedGen C3495498, MONDO:0008647, OMIM 192600.

Allele frequency attached by ClinVar (database versions not stated): gnomAD 0.00007 and 0.00009; gnomAD exomes 0.00009 and 0.00016; ExAC 0.00010; TOPMed 0.00013; ESP Exome Variant Server 0.00015.

Submissions (4):

Labcorp Genetics (formerly Invitae), Labcorp
Classification: Likely benign for Hypertrophic cardiomyopathy 1. Last evaluated: 2025-12-01. Review status: criteria provided, single submitter. Criteria: Invitae Variant Classification Sherloc (09022015). Collection method: clinical testing. Allele origin: germline.

Ambry Genetics
Classification: Likely benign. Last evaluated: 2022-08-07. Review status: criteria provided, single submitter. Criteria: Ambry Variant Classification Scheme 2023. Collection method: clinical testing. Allele origin: germline.

GeneDx
Classification: Likely benign. Last evaluated: 2018-03-21. Review status: criteria provided, single submitter. Criteria: GeneDx Variant Classification (06012015). Collection method: clinical testing. Allele origin: germline. Affected: yes.
Comment: This variant is considered likely benign or benign based on one or more of the following criteria: it is a conservative change, it occurs at a poorly conserved position in the protein, it is predicted to be benign by multiple in silico algorithms, and/or has population frequency not consistent with disease.

CHEO Genetics Diagnostic Laboratory, Children's Hospital of Eastern Ontario
Classification: Likely benign for Cardiomyopathy. Last evaluated: 2017-01-27. Review status: criteria provided, single submitter. Criteria: ACMG Guidelines, 2015. Collection method: clinical testing. Allele origin: germline. Study: Canadian Open Genetics Repository.

NM_033118.4(MYLK2):c.261G>A (p.Ala87=)

Gene: MYLK2 (myosin light chain kinase 2; plus strand). Cytogenetic location: 20q11.21.
Variant type: single nucleotide variant.
Coding change: c.261G>A on transcript NM_033118.4 (MANE Select); coding-DNA position 261, G replaced by A.
Protein change: p.Ala87=; no amino-acid change (alanine 87 retained).
Molecular consequence: synonymous variant.
Genome position (GRCh38, 1-based): chr20:31,820,334, G>A. VCF-style: chr20-31820334-G-A. GRCh37 (hg19) VCF-style: chr20-30408137-G-A.
Identifiers: ClinVar variation 626845 (VCV000626845.13), dbSNP rs374353729, ClinGen allele CA9802878.
Genomic context (GRCh38, chr20:31,820,334, plus strand): 5'-CCAACCCTCAACTAGCAGCCAAGGCCCCAAAGGAGAGGGTGACAGGGGCGGGGGGCCCGC[G>A]GAGGGCAGTGCTGGGCCCCCGGCAGCCCTGCCCCAGCAGACTGCGACACCTGAGACCAGC-3'
Protein context (NP_149109.1, residues 77-97): KGEGDRGGGP[Ala87=]EGSAGPPAAL